The following is an entry in ClinVar:

NM_007294.4(BRCA1):c.3185G>A (p.Gly1062Asp)

Gene: BRCA1 (BRCA1 DNA repair associated; minus strand). Cytogenetic location: 17q21.31.
Variant type: single nucleotide variant.
Coding change: c.3185G>A on transcript NM_007294.4 (MANE Select); coding-DNA position 3185, G replaced by A.
Protein change: p.Gly1062Asp; replaces glycine 1062 with aspartic acid.
Molecular consequence: missense variant. On other transcripts: intron variant (137).
Genome position (GRCh38, 1-based): chr17:43,092,346, C>T on the plus strand (G>A on the coding strand, the complement: BRCA1 is on the minus strand). VCF-style: chr17-43092346-C-T. GRCh37 (hg19) VCF-style: chr17-41244363-C-T.
Other names: c.2972G>A, p.Gly991Asp (NM_001407571.1, NM_001407853.1, NM_001407894.1 and 9 more transcripts); c.3185G>A, p.Gly1062Asp (NM_001407581.1, NM_001407582.1, NM_001407583.1 and 30 more transcripts); c.3182G>A, p.Gly1061Asp (NM_001407587.1, NM_001407590.1, NM_001407591.1 and 22 more transcripts); c.3176G>A, p.Gly1059Asp (NM_001407646.1, NM_001407647.1); c.3062G>A, p.Gly1021Asp (NM_001407648.1, NM_001407664.1, NM_001407665.1 and 19 more transcripts); c.3059G>A, p.Gly1020Asp (NM_001407649.1, NM_001407670.1, NM_001407671.1 and 11 more transcripts); c.3107G>A, p.Gly1036Asp (NM_001407653.1, NM_001407654.1, NM_001407655.1 and 4 more transcripts); c.3104G>A, p.Gly1035Asp (NM_001407659.1, NM_001407660.1, NM_001407661.1 and 1 more transcripts); and 41 more; short protein forms G1015D, G1035D, G1062D, G894D, G934D, G950D, G974D, G766D.
Identifiers: ClinVar variation 1728580 (VCV001728580.6), dbSNP rs397507211, ClinGen allele CA10595616.

ClinVar aggregate classification (germline): Conflicting classifications of pathogenicity. Review status: criteria provided, conflicting classifications (1 of 4 stars). 3 submissions from 3 submitters: Uncertain significance (2); Likely benign (1). Last evaluated 2024-05-26.

Conditions:
Hereditary cancer-predisposing syndrome. Also called: Tumor predisposition; Neoplastic Syndromes, Hereditary; Hereditary Cancer Syndrome; Hereditary neoplastic syndrome. Identifiers: Orphanet 140162, MedGen C0027672, MeSH D009386, MONDO:0015356.
Hereditary breast ovarian cancer syndrome. Also called: Breast and ovarian cancer; Hereditary breast and/or ovarian cancer syndrome; BRCA1- and BRCA2-Associated Hereditary Breast and Ovarian Cancer; Hereditary breast and ovarian cancer syndrome; Hereditary breast and ovarian cancer; Hereditary breast and ovarian cancer syndrome (HBOC). Identifiers: Orphanet 145, MedGen C0677776, MeSH D061325, MONDO:0003582. Disease mechanism: loss of function.

Submissions (3):

Labcorp Genetics (formerly Invitae), Labcorp
Classification: Uncertain significance for Hereditary breast ovarian cancer syndrome. Last evaluated: 2024-05-26. Review status: criteria provided, single submitter. Criteria: Invitae Variant Classification Sherloc (09022015). Collection method: clinical testing. Allele origin: germline.
Comment: This sequence change replaces glycine, which is neutral and non-polar, with aspartic acid, which is acidic and polar, at codon 1062 of the BRCA1 protein (p.Gly1062Asp). This variant is not present in population databases (gnomAD no frequency). This variant has not been reported in the literature in individuals affected with BRCA1-related conditions. ClinVar contains an entry for this variant (Variation ID: 1728580). Advanced modeling of protein sequence and biophysical properties (such as structural, functional, and spatial information, amino acid conservation, physicochemical variation, residue mobility, and thermodynamic stability) performed at Invitae indicates that this missense variant is not expected to disrupt BRCA1 protein function with a negative predictive value of 95%. In summary, the available evidence is currently insufficient to determine the role of this variant in disease. Therefore, it has been classified as a Variant of Uncertain Significance.

University of Washington Department of Laboratory Medicine, University of Washington
Classification: Likely benign for Hereditary cancer-predisposing syndrome. Last evaluated: 2023-03-23. Review status: criteria provided, single submitter. Criteria: Dines et al. (Genet Med. 2020). Collection method: curation. Allele origin: germline.
Comment: Missense variant in a coldspot region where missense variants are very unlikely to be pathogenic (PMID:31911673).

BRCA1 coldspot (exon 11 using historical exon numbering). Reclassification based on statistical prior probability

Ambry Genetics
Classification: Uncertain significance for Hereditary cancer-predisposing syndrome. Last evaluated: 2020-01-10. Review status: criteria provided, single submitter. Criteria: Ambry Variant Classification Scheme 2023. Collection method: clinical testing. Allele origin: germline.
Comment: The p.G1062D variant (also known as c.3185G>A), located in coding exon 9 of the BRCA1 gene, results from a G to A substitution at nucleotide position 3185. The glycine at codon 1062 is replaced by aspartic acid, an amino acid with similar properties. This amino acid position is well conserved in available vertebrate species. In addition, the in silico prediction for this alteration is inconclusive. Since supporting evidence is limited at this time, the clinical significance of this alteration remains unclear.